The following is an entry in ClinVar:

NM_001429.4(EP300):c.634A>G (p.Met212Val)

Gene: EP300 (EP300 lysine acetyltransferase; plus strand). Cytogenetic location: 22q13.2.
Variant type: single nucleotide variant.
Coding change: c.634A>G on transcript NM_001429.4 (MANE Select); coding-DNA position 634, A replaced by G.
Protein change: p.Met212Val; replaces methionine 212 with valine.
Molecular consequence: missense variant.
Genome position (GRCh38, 1-based): chr22:41,117,726, A>G. VCF-style: chr22-41117726-A-G. GRCh37 (hg19) VCF-style: chr22-41513730-A-G.
Other names: c.634A>G, p.Met212Val (NM_001362843.2); short protein forms M212V.
Identifiers: ClinVar variation 3351755 (VCV003351755.2).

ClinVar aggregate classification (germline): Likely benign (1 of 4 stars; one submission).

Conditions:
EP300-related disorder. Also called: EP300-related condition; EP300-related disorders.

gnomAD v4.1: 19 of 1,614,126 alleles (0.0012%); highest among the groups gnomAD compares: Non-Finnish European, 0.0014%; no homozygotes.

Submission:

PreventionGenetics, part of Exact Sciences
Classification: Likely benign for EP300-related condition. Last evaluated: 2025-02-07. Review status: criteria provided, single submitter. Criteria: ACMG Guidelines, 2015. Collection method: clinical testing. Allele origin: germline.
Comment: This variant is classified as likely benign based on ACMG/AMP sequence variant interpretation guidelines (Richards et al. 2015 PMID: 25741868, with internal and published modifications).